The following is an entry in ClinVar:

NM_000093.5(COL5A1):c.3379_3382del (p.Pro1127fs)

Gene: COL5A1 (collagen type V alpha 1 chain; plus strand). Cytogenetic location: 9q34.3.
Variant type: Deletion.
Coding change: c.3379_3382del on transcript NM_000093.5 (MANE Select); coding-DNA positions 3379 to 3382, 4 bases deleted (CCAC; older notation c.3379_3382delCCAC).
Protein change: p.Pro1127fs; shifts the reading frame from proline 1127.
Molecular consequence: frameshift variant.
Genome position (GRCh38, 1-based): chr9:134,809,195-134,809,198, CCAC deleted; deleting any 4 consecutive bases within chr9:134,809,194-134,809,198 gives the same sequence; the c. name uses the placement nearest the transcript's 3' end. VCF-style (leftmost placement, unchanged base first): chr9-134809193-GCCCA-G. GRCh37 (hg19) VCF-style: chr9-137701039-GCCCA-G.
Other names: c.3379_3382del, p.Pro1127fs (NM_001278074.1); short protein forms P1127fs.
Identifiers: ClinVar variation 2505547 (VCV002505547.1), dbSNP rs2490810383, ClinGen allele CA2580617154.
Genomic context (GRCh38, chr9:134,809,193, plus strand): 5'-TGTTCCCAGGTTGGAGCCACGTTTGACCTGAGATCTTCTGTATTCTCTAGGGCGAGAAAG[GCCCA>G]CAAGGCCCAGCTGGCCGAGACGGTCTCCAGGGGCCTGTGGGGCTCCCGGGTCCAGCTGGC-3'

ClinVar aggregate classification (germline): Likely pathogenic (1 of 4 stars; one submission).

Conditions:
Ehlers-Danlos syndrome, classic type, 1 (EDSCL1). Also called: EDS I; EHLERS-DANLOS SYNDROME, GRAVIS TYPE; EHLERS-DANLOS SYNDROME, SEVERE CLASSIC TYPE; Ehlers-Danlos syndrome, type 1; Ehlers-Danlos Syndrome, Classic Type, COL5A1-Related. Identifiers: MedGen C0268335, MONDO:0019567, OMIM 130000.

Submission:

Dr. med. U. Finckh, Human Genetics, Eurofins MVZ
Classification: Likely pathogenic for Ehlers-Danlos syndrome, classic type, 1. Review status: criteria provided, single submitter. Criteria: ACMG Guidelines, 2015. Collection method: clinical testing. Allele origin: germline. Affected: yes.